The following is an entry in ClinVar:

NM_003000.3(SDHB):c.423C>A (p.Pro141=)

Gene: SDHB (succinate dehydrogenase complex iron sulfur subunit B; minus strand). Cytogenetic location: 1p36.13.
Variant type: single nucleotide variant.
Coding change: c.423C>A on transcript NM_003000.3 (MANE Select); coding-DNA position 423, C replaced by A.
Protein change: p.Pro141=; no amino-acid change (proline 141 retained).
Molecular consequence: synonymous variant. On other transcripts: intron variant (1).
Genome position (GRCh38, 1-based): chr1:17,028,600, G>T on the plus strand (C>A on the coding strand, the complement: SDHB is on the minus strand). VCF-style: chr1-17028600-G-T. GRCh37 (hg19) VCF-style: chr1-17355095-G-T.
Other names: c.369+54C>A (NM_001407361.1).
Identifiers: ClinVar variation 2109825 (VCV002109825.4), dbSNP rs150542357, ClinGen allele CA18666551.

ClinVar aggregate classification (germline): Uncertain significance (1 of 4 stars; one submission).

Conditions:
Pheochromocytoma. Also called: MAX-Related Hereditary Paraganglioma-Pheochromocytoma Syndrome. Identifiers: Orphanet 29072, MedGen C0031511, MONDO:0008233, OMIM 171300, HP:0002666.
Pheochromocytoma/paraganglioma syndrome 4. Also called: CAROTID BODY TUMORS AND MULTIPLE EXTRAADRENAL PHEOCHROMOCYTOMAS; PARAGANGLIOMA, FAMILIAL MALIGNANT; PARAGANGLIOMAS, HEREDITARY EXTRAADRENAL; PHEOCHROMOCYTOMA, FAMILIAL EXTRAADRENAL; Paragangliomas 4; SDHB-Related Hereditary Paraganglioma-Pheochromocytoma Syndrome (Paragangliomas 4). Identifiers: Orphanet 29072, MedGen C1861848, MONDO:0007273, OMIM 115310.
Gastrointestinal stromal tumor. Also called: Gastrointestinal stroma tumor; Gastrointestinal stromal tumor, somatic. Identifiers: Orphanet 44890, MedGen C0238198, MeSH D046152, MONDO:0011719, OMIM 606764, HP:0100723.

gnomAD v4.1: 1 of 1,614,066 alleles (0.000062%); highest among the groups gnomAD compares: South Asian, 0.0011%; no homozygotes.

Submission:

Labcorp Genetics (formerly Invitae), Labcorp
Classification: Uncertain significance for Gastrointestinal stromal tumor; Pheochromocytoma/paraganglioma syndrome 4; Pheochromocytoma. Last evaluated: 2022-03-12. Review status: criteria provided, single submitter. Criteria: Invitae Variant Classification Sherloc (09022015). Collection method: clinical testing. Allele origin: germline.
Comment: In summary, the available evidence is currently insufficient to determine the role of this variant in disease. Therefore, it has been classified as a Variant of Uncertain Significance. Algorithms developed to predict the effect of sequence changes on RNA splicing suggest that this variant is not likely to affect RNA splicing. This variant has not been reported in the literature in individuals affected with SDHB-related conditions. This variant is not present in population databases (gnomAD no frequency). This sequence change affects codon 141 of the SDHB mRNA. It is a 'silent' change, meaning that it does not change the encoded amino acid sequence of the SDHB protein. It affects a nucleotide within the consensus splice site.